The following is an entry in ClinVar:

NM_015698.6(GPKOW):c.366G>A (p.Ala122=)

Gene: GPKOW (G-patch domain and KOW motifs; minus strand). Cytogenetic location: Xp11.23.
Variant type: single nucleotide variant.
Coding change: c.366G>A on transcript NM_015698.6 (MANE Select); coding-DNA position 366, G replaced by A.
Protein change: p.Ala122=; no amino-acid change (alanine 122 retained).
Molecular consequence: synonymous variant.
Genome position (GRCh38, 1-based): chrX:49,122,488, C>T on the plus strand (G>A on the coding strand, the complement: GPKOW is on the minus strand). VCF-style: chrX-49122488-C-T. GRCh37 (hg19) VCF-style: chrX-48978838-C-T.
Identifiers: ClinVar variation 711049 (VCV000711049.5), dbSNP rs144250502, ClinGen allele CA10408877.

ClinVar aggregate classification (germline): Likely benign. Review status: criteria provided, single submitter (1 of 4 stars). 2 submissions from 2 submitters: Likely benign (1). 1 of the submissions does not count toward it. Last evaluated 2018-05-09.

Conditions:
GPKOW-related disorder. Also called: GPKOW-related condition.

Allele frequency attached by ClinVar (database versions not stated): TOPMed 0.00028; gnomAD 0.00031 and 0.00032; gnomAD exomes 0.00041 and 0.00065; 1000 Genomes Project 30x 0.00042; ExAC 0.00048; 1000 Genomes Project 0.00053; ESP Exome Variant Server 0.00076.
gnomAD v4.1: 730 of 1,203,720 alleles (0.061%); highest among the groups gnomAD compares: Non-Finnish European, 0.078%; no homozygotes.

Submissions (2):

Labcorp Genetics (formerly Invitae), Labcorp
Classification: Likely benign. Last evaluated: 2018-05-09. Review status: criteria provided, single submitter. Criteria: Invitae Variant Classification Sherloc (09022015). Collection method: clinical testing. Allele origin: germline.

PreventionGenetics, part of Exact Sciences
Classification: Likely benign for GPKOW-related condition. Last evaluated: 2019-12-09. Review status: no assertion criteria provided. Collection method: clinical testing. Allele origin: germline. Not counted in ClinVar's aggregate classification.
Comment: This variant is classified as likely benign based on ACMG/AMP sequence variant interpretation guidelines (Richards et al. 2015 PMID: 25741868, with internal and published modifications).